The following is an entry in ClinVar:

NM_001098816.3(TENM4):c.5413G>A (p.Asp1805Asn)

Gene: TENM4 (teneurin transmembrane protein 4; minus strand). Cytogenetic location: 11q14.1.
Variant type: single nucleotide variant.
Coding change: c.5413G>A on transcript NM_001098816.3 (MANE Select); coding-DNA position 5413, G replaced by A.
Protein change: p.Asp1805Asn; replaces aspartic acid 1805 with asparagine.
Molecular consequence: missense variant.
Genome position (GRCh38, 1-based): chr11:78,676,235, C>T on the plus strand (G>A on the coding strand, the complement: TENM4 is on the minus strand). VCF-style: chr11-78676235-C-T. GRCh37 (hg19) VCF-style: chr11-78387280-C-T.
Other names: short protein forms D1805N.
Identifiers: ClinVar variation 2642214 (VCV002642214.24), dbSNP rs762097519, ClinGen allele CA6206623.

ClinVar aggregate classification (germline): Uncertain significance (1 of 4 stars; one submission).

Allele frequency attached by ClinVar (database versions not stated): TOPMed below 0.00001; gnomAD 0.00001.
gnomAD v4.1: 9 of 1,607,142 alleles (0.00056%); highest among the groups gnomAD compares: African/African-American, 0.0013%; no homozygotes.

Submission:

CeGaT Center for Human Genetics Tuebingen
Classification: Uncertain significance. Last evaluated: 2022-09-01. Review status: criteria provided, single submitter. Criteria: CeGaT Center For Human Genetics Tuebingen Variant Classification Criteria Version 2. Collection method: clinical testing. Allele origin: germline. Affected: yes. Observed: 1 variant allele.
Comment: TENM4: PP3